The following is an entry in ClinVar:

NM_013444.4(UBQLN2):c.1013C>T (p.Thr338Ile)

Gene: UBQLN2 (ubiquilin 2; plus strand). Cytogenetic location: Xp11.21.
Variant type: single nucleotide variant.
Coding change: c.1013C>T on transcript NM_013444.4 (MANE Select); coding-DNA position 1013, C replaced by T.
Protein change: p.Thr338Ile; replaces threonine 338 with isoleucine.
Molecular consequence: missense variant.
Genome position (GRCh38, 1-based): chrX:56,564,886, C>T. VCF-style: chrX-56564886-C-T. GRCh37 (hg19) VCF-style: chrX-56591319-C-T.
Other names: short protein forms T338I.
Identifiers: ClinVar variation 1368686 (VCV001368686.5), dbSNP rs917131397, ClinGen allele CA330041874.

ClinVar aggregate classification (germline): Uncertain significance (1 of 4 stars; one submission).

Conditions:
Amyotrophic lateral sclerosis type 15. Also called: AMYOTROPHIC LATERAL SCLEROSIS 15 WITH FRONTOTEMPORAL DEMENTIA. Identifiers: Orphanet 803, MedGen C3275459, MONDO:0010459, OMIM 300857.

Allele frequency attached by ClinVar (database versions not stated): gnomAD exomes below 0.00001; TOPMed 0.00001.
gnomAD v4.1: 6 of 1,211,295 alleles (0.0005%); highest among the groups gnomAD compares: Admixed American, 0.0087%; no homozygotes.

Submission:

Labcorp Genetics (formerly Invitae), Labcorp
Classification: Uncertain significance for Amyotrophic lateral sclerosis type 15. Last evaluated: 2024-09-05. Review status: criteria provided, single submitter. Criteria: Invitae Variant Classification Sherloc (09022015). Collection method: clinical testing. Allele origin: germline.
Comment: This sequence change replaces threonine, which is neutral and polar, with isoleucine, which is neutral and non-polar, at codon 338 of the UBQLN2 protein (p.Thr338Ile). This variant is not present in population databases (gnomAD no frequency). This variant has not been reported in the literature in individuals affected with UBQLN2-related conditions. ClinVar contains an entry for this variant (Variation ID: 1368686). An algorithm developed to predict the effect of missense changes on protein structure and function (PolyPhen-2) suggests that this variant is likely to be tolerated. In summary, the available evidence is currently insufficient to determine the role of this variant in disease. Therefore, it has been classified as a Variant of Uncertain Significance.